The following is an entry in ClinVar:

NM_005120.3(MED12):c.2265C>T (p.Val755=)

Gene: MED12 (mediator complex subunit 12; plus strand). Cytogenetic location: Xq13.1.
Variant type: single nucleotide variant.
Coding change: c.2265C>T on transcript NM_005120.3 (MANE Select); coding-DNA position 2265, C replaced by T.
Protein change: p.Val755=; no amino-acid change (valine 755 retained).
Molecular consequence: synonymous variant.
Genome position (GRCh38, 1-based): chrX:71,125,389, C>T. VCF-style: chrX-71125389-C-T. GRCh37 (hg19) VCF-style: chrX-70345239-C-T.
Identifiers: ClinVar variation 705509 (VCV000705509.11), dbSNP rs750186446, ClinGen allele CA10444324.
Genomic context (GRCh38, chrX:71,125,389, plus strand): 5'-TGATGGTGCTGCTGGGATGCAGGAGGAGTCATGCAGCCATGAGTGCAACCAGCGGTTGGT[C>T]GTACTGTTTGGGGTGGGAAAGCAGCGAGATGATGCCCGCCATGCCATCAAGAAAATCACC-3'
Protein context (NP_005111.2, residues 745-765): SCSHECNQRL[Val755=]VLFGVGKQRD

ClinVar aggregate classification (germline): Benign. Review status: criteria provided, single submitter (1 of 4 stars). 2 submissions from 2 submitters: Benign (1). 1 of the submissions does not count toward it. Last evaluated 2025-10-26.

Conditions:
FG syndrome (FGS). Identifiers: MedGen C0220769, MONDO:0002010.
MED12-Related Disorders. Also called: MED12-related condition; MED12-related disorder. Identifiers: MedGen CN381102.

Allele frequency attached by ClinVar (database versions not stated): ExAC 0.00001; gnomAD 0.00001; gnomAD exomes 0.00001 and 0.00004; TOPMed 0.00003.
gnomAD v4.1: 15 of 1,207,897 alleles (0.0012%); highest among the groups gnomAD compares: Admixed American, 0.015%; no homozygotes.

Submissions (2):

Labcorp Genetics (formerly Invitae), Labcorp
Classification: Benign for FG syndrome. Last evaluated: 2025-10-26. Review status: criteria provided, single submitter. Criteria: Invitae Variant Classification Sherloc (09022015). Collection method: clinical testing. Allele origin: germline.

PreventionGenetics, part of Exact Sciences
Classification: Likely benign for MED12-related condition. Last evaluated: 2024-06-11. Review status: no assertion criteria provided. Collection method: clinical testing. Allele origin: germline. Not counted in ClinVar's aggregate classification.
Comment: This variant is classified as likely benign based on ACMG/AMP sequence variant interpretation guidelines (Richards et al. 2015 PMID: 25741868, with internal and published modifications).